The following is an entry in ClinVar:

NM_007074.4(CORO1A):c.843C>T (p.Ile281=)

Gene: CORO1A (coronin 1A; plus strand). Cytogenetic location: 16p11.2.
Variant type: single nucleotide variant.
Coding change: c.843C>T on transcript NM_007074.4 (MANE Select); coding-DNA position 843, C replaced by T.
Protein change: p.Ile281=; no amino-acid change (isoleucine 281 retained).
Molecular consequence: synonymous variant.
Genome position (GRCh38, 1-based): chr16:30,187,811, C>T. VCF-style: chr16-30187811-C-T. GRCh37 (hg19) VCF-style: chr16-30199132-C-T.
Other names: c.843C>T, p.Ile281= (NM_001193333.3).
Identifiers: ClinVar variation 508830 (VCV000508830.13), dbSNP rs199650298, ClinGen allele CA8003272.
Genomic context (GRCh38, chr16:30,187,811, plus strand): 5'-GCAGGAGCTGGACACCAGCAGCGGTGTCCTGCTGCCCTTCTTTGACCCTGACACCAACAT[C>T]GTCTACCTCTGTGGCAAGGTGGCCTCGTCGGGCGGGGTGGGGGTGGGAGGTGGGCAGGAT-3'
Protein context (NP_009005.1, residues 271-291): LLPFFDPDTN[Ile281=]VYLCGKGDSS

ClinVar aggregate classification (germline): Benign/Likely benign. Review status: criteria provided, multiple submitters, no conflicts (2 of 4 stars). 4 submissions from 4 submitters: Benign (2); Likely benign (2). Last evaluated 2026-04-20.

Conditions:
Severe combined immunodeficiency due to CORO1A deficiency. Also called: Immunodeficiency 8; IMMUNODEFICIENCY 8 WITH LYMPHOPROLIFERATION. Identifiers: Orphanet 228003, MedGen C3809383, MONDO:0014168, OMIM 615401.

Allele frequency attached by ClinVar (database versions not stated): gnomAD below 0.00001 and 0.00071; TOPMed 0.00009; gnomAD exomes 0.00116 and 0.00213; ExAC 0.00246; 1000 Genomes Project 30x 0.00515; 1000 Genomes Project 0.00519.
gnomAD v4.1: 1,734 of 1,554,896 alleles (0.11%); highest among the groups gnomAD compares: South Asian, 1.8%; 33 homozygotes.

Submissions (4):

Women's Health and Genetics/Laboratory Corporation of America, LabCorp
Classification: Benign. Last evaluated: 2026-04-20. Review status: criteria provided, single submitter. Criteria: LabCorp Variant Classification Summary - May 2015. Collection method: clinical testing. Allele origin: germline.

Labcorp Genetics (formerly Invitae), Labcorp
Classification: Benign for Severe combined immunodeficiency due to CORO1A deficiency. Last evaluated: 2026-01-26. Review status: criteria provided, single submitter. Criteria: Invitae Variant Classification Sherloc (09022015). Collection method: clinical testing. Allele origin: germline.

GeneDx
Classification: Likely benign. Last evaluated: 2017-04-06. Review status: criteria provided, single submitter. Criteria: GeneDx Variant Classification (06012015). Collection method: clinical testing. Allele origin: germline. Affected: yes.
Comment: This variant is considered likely benign or benign based on one or more of the following criteria: it is a conservative change, it occurs at a poorly conserved position in the protein, it is predicted to be benign by multiple in silico algorithms, and/or has population frequency not consistent with disease.

Breakthrough Genomics
Classification: Likely benign. Review status: criteria provided, single submitter. Criteria: ACMG Guidelines, 2015. Collection method: not provided. Allele origin: germline. Inheritance: Autosomal recessive inheritance. Affected: yes.